The following is an entry in ClinVar:

NM_001303256.3(MORC2):c.259T>C (p.Ser87Pro)

Gene: MORC2 (MORC family CW-type zinc finger 2; minus strand). Cytogenetic location: 22q12.2.
Variant type: single nucleotide variant.
Coding change: c.259T>C on transcript NM_001303256.3 (MANE Select); coding-DNA position 259, T replaced by C.
Protein change: p.Ser87Pro; replaces serine 87 with proline.
Molecular consequence: missense variant.
Genome position (GRCh38, 1-based): chr22:30,949,810, A>G on the plus strand (T>C on the coding strand, the complement: MORC2 is on the minus strand). VCF-style: chr22-30949810-A-G. GRCh37 (hg19) VCF-style: chr22-31345796-A-G.
Other names: c.259T>C, p.Ser87Pro (NM_001303257.2); c.73T>C, p.Ser25Pro (NM_014941.3); short protein forms S25P, S87P.
Identifiers: ClinVar variation 1699240 (VCV001699240.3), dbSNP rs2147284796, ClinGen allele CA411245196.
Genomic context (GRCh38, chr22:30,949,810, plus strand): 5'-ACGATTTTAACCCATTCCCGTACTGCCCAATCTGAGTAGACTCAGGTGTTCGCTTGGCCG[A>G]CTTCCCAAACTGGATCACACTGGCAGCATCACCTGAAAGGGCAGACACAAGAGAAAGTGA-3'
Protein context (NP_001290185.1, residues 77-97): DAASVIQFGK[Ser87Pro]AKRTPESTQI

ClinVar aggregate classification (germline): Pathogenic (1 of 4 stars; one submission).

Conditions:
Developmental delay, impaired growth, dysmorphic facies, and axonal neuropathy. Identifiers: MedGen C5436781, MONDO:0030835, OMIM 619090.

Submission:

Victorian Clinical Genetics Services, Murdoch Childrens Research Institute
Classification: Pathogenic for Developmental delay, impaired growth, dysmorphic facies, and axonal neuropathy. Last evaluated: 2023-07-17. Review status: criteria provided, single submitter. Criteria: ACMG Guidelines, 2015. Collection method: clinical testing. Allele origin: germline. Inheritance: Autosomal dominant inheritance. Affected: yes.
Comment: Based on the classification scheme VCGS_Germline_v1.3.4, this variant is classified as Pathogenic. Following criteria are met: 0105 - The mechanism of disease for this gene is not clearly established; however multiple studies have reported variable dysregulation of ATPase activity, dimerisation, and/or regulatory functions. Variants displaying more significant biochemical changes tend to be associated with more severe clinical presentations (PMIDs: 28581500, 29440755, 30624633, 32693025, 34059105). (I) 0107 - This gene is associated with autosomal dominant disease. (I) 0115 - Variants in this gene are known to have variable expressivity. Considerable clinical heterogeneity has been observed in affected individuals, ranging from adult-onset neuropathies to congenital complex multisystem disorders (OMIM, PMID: 34059105). (I) 0200 - Variant is predicted to result in a missense amino acid change from serine to proline. (I) 0251 - This variant is heterozygous. (I) 0301 - Variant is absent from gnomAD (both v2 and v3). (SP) 0502 - Missense variant with conflicting in silico predictions and highly conserved with a moderate amino acid change. (I) 0601 - Variant is located within a cluster of pathogenic missense variants in the well-established functional GHL-ATPase domain (DECIPHER, PMIDs: 29440755, 32693025, 34059105). (SP) 0702 - Another missense variant comparable to the one identified in this case has strong previous evidence for pathogenicity. An alternate change to leucine at the same residue (sometimes annotated as p.(Ser25Leu) using a different transcript) has previously been reported in multiple individuals with infantile-onset Charcot-Marie-Tooth disease or spinal muscular atrophy, consistent with the OMIM phenotype of developmental delay, impaired growth, dysmorphic facies, and axonal neuropathy (MIM#619090). The variant has been proven to be de novo in a number of affected individuals, and its pathogenicity has been supported by numerous functional studies (ClinVar, DECIPHER, HGMD, LOVD, PMIDs: 26497905, 29440755, 30624633, 34059105). (SP) 0807 - This variant has no previous evidence of pathogenicity. (I) 0905 - No published segregation evidence has been identified for this variant. (I) 1007 - No published functional evidence has been identified for this variant. (SP) Legend: (SP) - Supporting pathogenic, (I) - Information, (SB) - Supporting benign

Literature cited by the submitters: PubMed 26497905; PubMed 28581500; PubMed 29440755; PubMed 30624633; PubMed 32693025; PubMed 34059105.